The following is an entry in ClinVar:

ClinVar aggregate classification (germline): Pathogenic/Likely pathogenic. Review status: criteria provided, multiple submitters, no conflicts (2 of 4 stars). 3 submissions from 3 submitters: Pathogenic (2); Likely pathogenic (1). Last evaluated 2024-10-14.

Conditions:
Microcephaly 2, primary, autosomal recessive, with or without cortical malformations. Also called: MICROCEPHALY 2, PRIMARY, AUTOSOMAL RECESSIVE, WITH CORTICAL MALFORMATIONS; WDR62 Primary Microcephaly. Identifiers: Orphanet 2512, MedGen C1858535, MONDO:0011435, OMIM 604317.

Submissions (3):

Labcorp Genetics (formerly Invitae), Labcorp
Classification: Pathogenic. Last evaluated: 2024-10-14. Review status: criteria provided, single submitter. Criteria: Invitae Variant Classification Sherloc (09022015). Collection method: clinical testing. Allele origin: germline.
Comment: This sequence change creates a premature translational stop signal (p.Glu799Glyfs*2) in the WDR62 gene. It is expected to result in an absent or disrupted protein product. Loss-of-function variants in WDR62 are known to be pathogenic (PMID: 20729831). This variant is present in population databases (rs747870811, gnomAD 0.008%). This variant has not been reported in the literature in individuals affected with WDR62-related conditions. ClinVar contains an entry for this variant (Variation ID: 1163628). Algorithms developed to predict the effect of sequence changes on RNA splicing suggest that this variant may disrupt the consensus splice site. For these reasons, this variant has been classified as Pathogenic.

Mayo Clinic Laboratories, Mayo Clinic
Classification: Likely pathogenic. Last evaluated: 2019-05-20. Review status: criteria provided, single submitter. Criteria: ACMG Guidelines, 2015. Collection method: clinical testing. Allele origin: germline. Observed: 1 variant allele.
Comment: PVS1, PM2

Department of Pediatric Genetics, Istanbul University - Cerrahpasa
Classification: Pathogenic for Microcephaly 2, primary, autosomal recessive, with or without cortical malformations. Review status: criteria provided, single submitter. Criteria: ACMG Guidelines, 2015. Collection method: clinical testing. Allele origin: germline. Affected: yes.

Literature cited by the submitters: PubMed 20729831 (cited by Labcorp Genetics (formerly Invitae), Labcorp).

NM_001083961.2(WDR62):c.2396_2397del (p.Glu799fs)

Gene: WDR62 (WD repeat domain 62; plus strand). Cytogenetic location: 19q13.12.
Variant type: Microsatellite.
Coding change: c.2396_2397del on transcript NM_001083961.2 (MANE Select); coding-DNA positions 2396 to 2397, 2 bases deleted (AG; older notation c.2396_2397delAG).
Protein change: p.Glu799fs; shifts the reading frame from glutamic acid 799.
Molecular consequence: frameshift variant.
Genome position (GRCh38, 1-based): chr19:36,094,093-36,094,094, AG deleted; deleting any 2 consecutive bases within chr19:36,094,091-36,094,094 gives the same sequence; the c. name uses the placement nearest the transcript's 3' end. VCF-style (leftmost placement, unchanged base first): chr19-36094090-CAG-C. GRCh37 (hg19) VCF-style: chr19-36584992-CAG-C.
Other names: c.2396_2397del, p.Glu799fs (NM_173636.5); short protein forms E799fs.
Identifiers: ClinVar variation 1163628 (VCV001163628.12), dbSNP rs747870811, ClinGen allele CA9395930.